The following is an entry in ClinVar:

ClinVar aggregate classification (germline): Uncertain significance (1 of 4 stars; one submission).

Conditions:
Early-infantile DEE. Also called: Early infantile epileptic encephalopathy; Early infantile epileptic encephalopathy with suppression bursts; Ohtahara syndrome. Identifiers: Orphanet 1934, MedGen C0393706, MONDO:0800491.

Submission:

Labcorp Genetics (formerly Invitae), Labcorp
Classification: Uncertain significance for Early-infantile DEE. Last evaluated: 2021-04-30. Review status: criteria provided, single submitter. Criteria: Invitae Variant Classification Sherloc (09022015). Collection method: clinical testing. Allele origin: germline.
Comment: In summary, the available evidence is currently insufficient to determine the role of this variant in disease. Therefore, it has been classified as a Variant of Uncertain Significance. This variant has not been reported in the literature in individuals with HCN1-related conditions. This variant is not present in population databases (ExAC no frequency). This sequence change creates a premature translational stop signal (p.Glu447*) in the HCN1 gene. It is expected to result in an absent or disrupted protein product. However, the current clinical and genetic evidence is not sufficient to establish whether loss-of-function variants in HCN1 cause disease.

NM_021072.4(HCN1):c.1339G>T (p.Glu447Ter)

Gene: HCN1 (hyperpolarization activated cyclic nucleotide gated potassium channel 1; minus strand). Cytogenetic location: 5p12.
Variant type: single nucleotide variant.
Coding change: c.1339G>T on transcript NM_021072.4 (MANE Select); coding-DNA position 1339, G replaced by T.
Protein change: p.Glu447Ter; replaces glutamic acid 447 with a stop codon.
Molecular consequence: nonsense.
Genome position (GRCh38, 1-based): chr5:45,353,138, C>A on the plus strand (G>T on the coding strand, the complement: HCN1 is on the minus strand). VCF-style: chr5-45353138-C-A. GRCh37 (hg19) VCF-style: chr5-45353240-C-A.
Other names: short protein forms E447*.
Identifiers: ClinVar variation 1350337 (VCV001350337.7), dbSNP rs2111983087, ClinGen allele CA359702033.